The following is an entry in ClinVar:

NM_007294.4(BRCA1):c.3727A>G (p.Arg1243Gly)

Genes: BRCA1 (BRCA1 DNA repair associated; minus strand), LOC126862571 (BRD4-independent group 4 enhancer GRCh37_chr17:41243136-41244335; plus strand). Cytogenetic location: 17q21.31.
Variant type: single nucleotide variant.
Coding change: c.3727A>G on transcript NM_007294.4 (MANE Select); coding-DNA position 3727, A replaced by G.
Protein change: p.Arg1243Gly; replaces arginine 1243 with glycine.
Molecular consequence: missense variant. On other transcripts: intron variant (135).
Genome position (GRCh38, 1-based): chr17:43,091,804, T>C on the plus strand (A>G on the coding strand, the complement: BRCA1 is on the minus strand). VCF-style: chr17-43091804-T-C. GRCh37 (hg19) VCF-style: chr17-41243821-T-C.
Other names: c.3727A>G, p.Arg1243Gly (NM_001407618.1, NM_001407619.1, NM_001407620.1 and 30 more transcripts); c.788-772A>G (NM_001407978.1, NM_001407979.1, NM_001407977.1 and 17 more transcripts); c.644-772A>G (NM_001408462.1, NM_001408470.1, NM_001408464.1 and 3 more transcripts); c.710-772A>G (NM_001408414.1, NM_001408411.1, NM_001408415.1 and 2 more transcripts); c.578-772A>G (NM_001408514.1, NM_001408485.1, NM_001408483.1 and 9 more transcripts); c.662-772A>G (NM_001408447.1, NM_001408433.1, NM_001408446.1 and 6 more transcripts); c.785-772A>G (NM_001408400.1, NM_001408392.1, NM_001407986.1 and 13 more transcripts); c.665-772A>G (NM_001408441.1, NM_001408437.1, NM_001408429.1 and 12 more transcripts); and 41 more; short protein forms R1075G, R1115G, R1131G, R1216G, R1242G, R1154G, R1155G, R1173G.
Identifiers: ClinVar variation 3634645 (VCV003634645.3).

ClinVar aggregate classification (germline): Uncertain significance. Review status: criteria provided, multiple submitters, no conflicts (2 of 4 stars). 2 submissions from 2 submitters: Uncertain significance (2). Last evaluated 2025-03-17.

Conditions:
Hereditary breast ovarian cancer syndrome. Also called: Hereditary breast and ovarian cancer syndrome; Hereditary breast and ovarian cancer syndrome (HBOC); BRCA1- and BRCA2-Associated Hereditary Breast and Ovarian Cancer; Hereditary breast and ovarian cancer; Breast and ovarian cancer; Hereditary breast and/or ovarian cancer syndrome. Identifiers: Orphanet 145, MedGen C0677776, MeSH D061325, MONDO:0003582. Disease mechanism: loss of function.
Hereditary cancer-predisposing syndrome. Also called: Neoplastic Syndromes, Hereditary; Tumor predisposition; Hereditary Cancer Syndrome; Hereditary neoplastic syndrome. Identifiers: Orphanet 140162, MedGen C0027672, MeSH D009386, MONDO:0015356.

Submissions (2):

Ambry Genetics
Classification: Uncertain significance for Hereditary cancer-predisposing syndrome. Last evaluated: 2025-03-17. Review status: criteria provided, single submitter. Criteria: Ambry Variant Classification Scheme 2023. Collection method: clinical testing. Allele origin: germline.
Comment: The p.R1243G variant (also known as c.3727A>G), located in coding exon 9 of the BRCA1 gene, results from an A to G substitution at nucleotide position 3727. The arginine at codon 1243 is replaced by glycine, an amino acid with dissimilar properties. This amino acid position is not well conserved in available vertebrate species. In addition, the in silico prediction for this alteration is inconclusive. Based on the available evidence, the clinical significance of this variant remains unclear.

Labcorp Genetics (formerly Invitae), Labcorp
Classification: Uncertain significance for Hereditary breast ovarian cancer syndrome. Last evaluated: 2024-07-25. Review status: criteria provided, single submitter. Criteria: Invitae Variant Classification Sherloc (09022015). Collection method: clinical testing. Allele origin: germline.
Comment: This sequence change replaces arginine, which is basic and polar, with glycine, which is neutral and non-polar, at codon 1243 of the BRCA1 protein (p.Arg1243Gly). This variant is not present in population databases (gnomAD no frequency). This variant has not been reported in the literature in individuals affected with BRCA1-related conditions. Advanced modeling of protein sequence and biophysical properties (such as structural, functional, and spatial information, amino acid conservation, physicochemical variation, residue mobility, and thermodynamic stability) performed at Invitae indicates that this missense variant is not expected to disrupt BRCA1 protein function with a negative predictive value of 95%. In summary, the available evidence is currently insufficient to determine the role of this variant in disease. Therefore, it has been classified as a Variant of Uncertain Significance.

Literature cited by the submitters: PubMed 14722926 (cited by Ambry Genetics).